The following is an entry in ClinVar:

ClinVar aggregate classification (germline): Uncertain significance (1 of 4 stars; one submission).

Allele frequency attached by ClinVar (database versions not stated): TOPMed 0.00016; ExAC 0.00018; gnomAD 0.00020; ESP Exome Variant Server 0.00054.
gnomAD v4.1: 462 of 1,614,094 alleles (0.029%); highest among the groups gnomAD compares: Non-Finnish European, 0.037%; no homozygotes.

Submission:

Labcorp Genetics (formerly Invitae), Labcorp
Classification: Uncertain significance. Last evaluated: 2025-03-17. Review status: criteria provided, single submitter. Criteria: Invitae Variant Classification Sherloc (09022015). Collection method: clinical testing. Allele origin: germline.
Comment: This sequence change replaces aspartic acid, which is acidic and polar, with histidine, which is basic and polar, at codon 15 of the EXPH5 protein (p.Asp15His). This variant is present in population databases (rs147503313, gnomAD 0.04%). This variant has not been reported in the literature in individuals affected with EXPH5-related conditions. ClinVar contains an entry for this variant (Variation ID: 2171848). An algorithm developed to predict the effect of missense changes on protein structure and function (PolyPhen-2) suggests that this variant is likely to be disruptive. In summary, the available evidence is currently insufficient to determine the role of this variant in disease. Therefore, it has been classified as a Variant of Uncertain Significance.

NM_015065.3(EXPH5):c.43G>C (p.Asp15His)

Gene: EXPH5 (exophilin 5; minus strand). Cytogenetic location: 11q22.3.
Variant type: single nucleotide variant.
Coding change: c.43G>C on transcript NM_015065.3 (MANE Select); coding-DNA position 43, G replaced by C.
Protein change: p.Asp15His; replaces aspartic acid 15 with histidine.
Molecular consequence: missense variant.
Genome position (GRCh38, 1-based): chr11:108,593,494, C>G on the plus strand (G>C on the coding strand, the complement: EXPH5 is on the minus strand). VCF-style: chr11-108593494-C-G. GRCh37 (hg19) VCF-style: chr11-108464221-C-G.
Other names: c.22G>C, p.Asp8His (NM_001308019.2); short protein forms D15H, D8H.
Identifiers: ClinVar variation 2171848 (VCV002171848.4), dbSNP rs147503313, ClinGen allele CA6268375.